The following is an entry in ClinVar:

NM_033641.4(COL4A6):c.1603C>T (p.Leu535=)

Gene: COL4A6 (collagen type IV alpha 6 chain; minus strand). Cytogenetic location: Xq22.3.
Variant type: single nucleotide variant.
Coding change: c.1603C>T on transcript NM_033641.4 (MANE Select); coding-DNA position 1603, C replaced by T.
Protein change: p.Leu535=; no amino-acid change (leucine 535 retained).
Molecular consequence: synonymous variant.
Genome position (GRCh38, 1-based): chrX:108,188,012, G>A on the plus strand (C>T on the coding strand, the complement: COL4A6 is on the minus strand). VCF-style: chrX-108188012-G-A. GRCh37 (hg19) VCF-style: chrX-107431242-G-A.
Other names: c.1603C>T, p.Leu535= (NM_001287758.2, NM_001287759.2, NM_001287760.2); c.1606C>T, p.Leu536= (NM_001847.4).
Identifiers: ClinVar variation 3037373 (VCV003037373.2), dbSNP rs2522048566, ClinGen allele CA517944046.

ClinVar aggregate classification (germline): Likely benign (0 of 4 stars; one submission).

Conditions:
COL4A6-related disorder. Also called: COL4A6-related condition.

Submission:

PreventionGenetics, part of Exact Sciences
Classification: Likely benign for COL4A6-related condition. Last evaluated: 2022-12-22. Review status: no assertion criteria provided. Collection method: clinical testing. Allele origin: germline.
Comment: This variant is classified as likely benign based on ACMG/AMP sequence variant interpretation guidelines (Richards et al. 2015 PMID: 25741868, with internal and published modifications).